The following is an entry in ClinVar:

NM_199420.4(POLQ):c.2896A>G (p.Thr966Ala)

Gene: POLQ (DNA polymerase theta; minus strand). Cytogenetic location: 3q13.33.
Variant type: single nucleotide variant.
Coding change: c.2896A>G on transcript NM_199420.4 (MANE Select); coding-DNA position 2896, A replaced by G.
Protein change: p.Thr966Ala; replaces threonine 966 with alanine.
Molecular consequence: missense variant.
Genome position (GRCh38, 1-based): chr3:121,490,035, T>C on the plus strand (A>G on the coding strand, the complement: POLQ is on the minus strand). VCF-style: chr3-121490035-T-C. GRCh37 (hg19) VCF-style: chr3-121208882-T-C.
Other names: short protein forms T966A.
Identifiers: ClinVar variation 1797351 (VCV001797351.3), dbSNP rs201788575, ClinGen allele CA2563163.

ClinVar aggregate classification (germline): Uncertain significance (1 of 4 stars; one submission).

Allele frequency attached by ClinVar (database versions not stated): gnomAD 0.00001; TOPMed 0.00003; ESP Exome Variant Server 0.00008; ExAC 0.00011; gnomAD exomes 0.00015.

Submission:

Ambry Genetics
Classification: Uncertain significance. Last evaluated: 2024-10-31. Review status: criteria provided, single submitter. Criteria: Ambry Variant Classification Scheme 2023. Collection method: clinical testing. Allele origin: germline.
Comment: The p.T966A variant (also known as c.2896A>G), located in coding exon 16 of the POLQ gene, results from an A to G substitution at nucleotide position 2896. The threonine at codon 966 is replaced by alanine, an amino acid with similar properties. This amino acid position is conserved. In addition, this alteration is predicted to be tolerated by in silico analysis. Since supporting evidence is limited at this time, the clinical significance of this alteration remains unclear.